The following is an entry in ClinVar:

ClinVar aggregate classification (germline): Pathogenic. Review status: criteria provided, multiple submitters, no conflicts (2 of 4 stars). 2 submissions from 2 submitters: Pathogenic (2). Last evaluated 2025-11-08.

Conditions:
Cardiac valvular defect, developmental (CVDP1). Also called: CARDIAC VALVULAR DYSPLASIA 1. Identifiers: MedGen C5774175, MONDO:0008913, OMIM 212093.

Submissions (2):

Labcorp Genetics (formerly Invitae), Labcorp
Classification: Pathogenic. Last evaluated: 2025-11-08. Review status: criteria provided, single submitter. Criteria: Invitae Variant Classification Sherloc (09022015). Collection method: clinical testing. Allele origin: germline.
Comment: This sequence change creates a premature translational stop signal (p.Trp678Cysfs*30) in the PLD1 gene. It is expected to result in an absent or disrupted protein product. Loss-of-function variants in PLD1 are known to be pathogenic (PMID: 27799408, 33645542). This variant is present in population databases (rs760229620, gnomAD 0.003%). This variant has not been reported in the literature in individuals affected with PLD1-related conditions. ClinVar contains an entry for this variant (Variation ID: 3251798). For these reasons, this variant has been classified as Pathogenic.

Women's Health and Genetics/Laboratory Corporation of America, LabCorp
Classification: Pathogenic for Cardiac valvular defect, developmental. Last evaluated: 2024-04-22. Review status: criteria provided, single submitter. Criteria: LabCorp Variant Classification Summary - May 2015. Collection method: clinical testing. Allele origin: germline.
Comment: Variant summary: PLD1 c.2034delG (p.Trp678CysfsX30) results in a premature termination codon, predicted to cause a truncation of the encoded protein or absence of the protein due to nonsense mediated decay, which are commonly known mechanisms for disease (Ta-Shma_PLD1_2017, Lahrouchi_2021). The variant allele was found at a frequency of 1.2e-05 in 251170 control chromosomes. To our knowledge, no occurrence of c.2034delG in individuals affected with Cardiac Valvular Defect, Developmental and no experimental evidence demonstrating its impact on protein function have been reported. No submitters have cited clinical-significance assessments for this variant to ClinVar. Based on the evidence outlined above, the variant was classified as pathogenic.

Literature cited by the submitters: PubMed 27799408 (cited by Labcorp Genetics (formerly Invitae), Labcorp); PubMed 33645542 (cited by Labcorp Genetics (formerly Invitae), Labcorp).

NM_002662.5(PLD1):c.2034del (p.Trp678fs)

Gene: PLD1 (phospholipase D1; minus strand). Cytogenetic location: 3q26.31.
Variant type: Deletion.
Coding change: c.2034del on transcript NM_002662.5 (MANE Select); coding-DNA position 2034, one base deleted (G; older notation c.2034delG).
Protein change: p.Trp678fs; shifts the reading frame from tryptophan 678.
Molecular consequence: frameshift variant.
Genome position (GRCh38, 1-based): chr3:171,676,796, C deleted on the plus strand (G on the coding strand, the reverse complement: PLD1 is on the minus strand); the first of 2 consecutive C bases (chr3:171,676,796-171,676,797); deleting either gives the same sequence. VCF-style (leftmost placement, unchanged base first): chr3-171676795-GC-G. GRCh37 (hg19) VCF-style: chr3-171394585-GC-G.
Other names: c.1920del, p.Trp640fs (NM_001130081.3); c.2034delG (NM_002662.5); short protein forms W640fs, W678fs.
Identifiers: ClinVar variation 3251798 (VCV003251798.2), dbSNP rs760229620.